The following is an entry in ClinVar:

ClinVar aggregate classification (germline): Likely pathogenic. Review status: reviewed by expert panel (3 of 4 stars). 2 submissions from 2 submitters: Likely pathogenic (1). 1 of the submissions does not count toward it. Last evaluated 2025-01-08.

Conditions:
Autosomal recessive limb-girdle muscular dystrophy. Identifiers: Orphanet 102015, MedGen C2931907, MONDO:0015152.
Autosomal recessive limb-girdle muscular dystrophy type 2C (LGMDR5). Also called: MUSCULAR DYSTROPHY, DUCHENNE-LIKE; MUSCULAR DYSTROPHY, LIMB-GIRDLE, AUTOSOMAL RECESSIVE 5. Identifiers: Orphanet 353, MedGen C0410173, MONDO:0009677, OMIM 253700. Disease mechanism: Affects gamma-sarcoglycan and also disrupts the integrity of the entire sarcoglycan complex..

Submissions (2):

ClinGen Limb Girdle Muscular Dystrophy Variant Curation Expert Panel, ClinGen
Classification: Likely pathogenic for Autosomal recessive limb-girdle muscular dystrophy. Last evaluated: 2025-01-08. Review status: reviewed by expert panel. Criteria: ClinGen LGMD VCEP ACMG Specifications SGCG V1.0.0. Collection method: curation. Allele origin: germline. Inheritance: Autosomal recessive inheritance.
Comment: The NM_000231.3: c.703-1G>C variant in SGCG occurs within the canonical splice acceptor site (-1) of intron 7. It is predicted to cause skipping of biologically relevant exon 8/8, resulting in an in-frame deletion of less than 10% of the protein (amino acids 235-291) (PVS1_Moderate). This variant has been detected in a homozygous state in at least one patient with signs of limb girdle muscular dystrophy (0.5 pts, ClinVar SCV001200760.3 internal data communication; PM3_Supporting, PP4). The variant has been reported to segregate with autosomal recessive LGMD in one affected family member (PP1; ClinVar SCV001200760.3 internal data communication). This variant is absent from gnomAD v2.1.1 and v3.1.2 (PM2_Supporting). In summary, this variant meets the criteria to be classified as Likely Pathogenic for autosomal recessive limb girdle muscular dystrophy based on the ACMG/AMP criteria applied, as specified by the ClinGen LGMD VCEP (LGMD VCEP specifications version 1.0.0; 01/08/2025): PVS1_Moderate, PP4, PM3_Supporting, PP1, PM2_Supporting.

Labcorp Genetics (formerly Invitae), Labcorp
Classification: Uncertain significance for Autosomal recessive limb-girdle muscular dystrophy type 2C. Last evaluated: 2019-11-19. Review status: criteria provided, single submitter. Criteria: Invitae Variant Classification Sherloc (09022015). Collection method: clinical testing. Allele origin: germline. Not counted in ClinVar's aggregate classification.
Comment: This sequence change affects an acceptor splice site in the last intron (intron 7) of the SGCG gene. While this is not anticipated to result in nonsense mediated decay, it likely alters RNA splicing and results in a disrupted protein product. This variant is not present in population databases (ExAC no frequency). Disruption of this splice site has been observed in individual(s) with clinical features of muscular dystrophy (Invitae). Nucleotide substitutions within the consensus splice site are a relatively common cause of aberrant splicing (PMID: 17576681, 9536098). Algorithms developed to predict the effect of sequence changes on RNA splicing suggest that this variant may disrupt the consensus splice site, but this prediction has not been confirmed by published transcriptional studies. In summary, the available evidence is currently insufficient to determine the role of this variant in disease. Therefore, it has been classified as a Variant of Uncertain Significance.

Literature cited by the submitters: PubMed 17576681 (cited by Labcorp Genetics (formerly Invitae), Labcorp); PubMed 9536098 (cited by Labcorp Genetics (formerly Invitae), Labcorp).

NM_000231.3(SGCG):c.703-1G>C

Gene: SGCG (sarcoglycan gamma; plus strand). Cytogenetic location: 13q12.12.
Variant type: single nucleotide variant.
Coding change: c.703-1G>C on transcript NM_000231.3 (MANE Select); the canonical splice acceptor site of the intron before coding-DNA position 703, G replaced by C.
Molecular consequence: splice acceptor variant.
Genome position (GRCh38, 1-based): chr13:23,324,367, G>C. VCF-style: chr13-23324367-G-C. GRCh37 (hg19) VCF-style: chr13-23898506-G-C.
Other names: c.757-1G>C (NM_001378244.1); c.703-1G>C (NM_001378245.1, NM_001378246.1).
Identifiers: ClinVar variation 836267 (VCV000836267.11), dbSNP rs1883152345, ClinGen allele CA387503468.